The following is an entry in ClinVar:

ClinVar aggregate classification (germline): Uncertain significance (1 of 4 stars; one submission).

Conditions:
Cholestanol storage disease (CTX). Also called: Cerebrotendinous Xanthomatosis; CEREBRAL CHOLESTERINOSIS; CTX: Cerebrotendinous xanthomatosis. Identifiers: Orphanet 909, MedGen C0238052, MONDO:0008948, OMIM 213700.

Submission:

Labcorp Genetics (formerly Invitae), Labcorp
Classification: Uncertain significance for Cholestanol storage disease. Last evaluated: 2022-03-09. Review status: criteria provided, single submitter. Criteria: Invitae Variant Classification Sherloc (09022015). Collection method: clinical testing. Allele origin: germline.
Comment: This sequence change replaces glycine, which is neutral and non-polar, with valine, which is neutral and non-polar, at codon 470 of the CYP27A1 protein (p.Gly470Val). This variant is not present in population databases (gnomAD no frequency). This variant has not been reported in the literature in individuals affected with CYP27A1-related conditions. Advanced modeling of protein sequence and biophysical properties (such as structural, functional, and spatial information, amino acid conservation, physicochemical variation, residue mobility, and thermodynamic stability) performed at Invitae indicates that this missense variant is expected to disrupt CYP27A1 protein function. In summary, the available evidence is currently insufficient to determine the role of this variant in disease. Therefore, it has been classified as a Variant of Uncertain Significance.

NM_000784.4(CYP27A1):c.1409G>T (p.Gly470Val)

Gene: CYP27A1 (cytochrome P450 family 27 subfamily A member 1; plus strand). Cytogenetic location: 2q35.
Variant type: single nucleotide variant.
Coding change: c.1409G>T on transcript NM_000784.4 (MANE Select); coding-DNA position 1409, G replaced by T.
Protein change: p.Gly470Val; replaces glycine 470 with valine.
Molecular consequence: missense variant.
Genome position (GRCh38, 1-based): chr2:218,814,690, G>T. VCF-style: chr2-218814690-G-T. GRCh37 (hg19) VCF-style: chr2-219679413-G-T.
Other names: short protein forms G470V.
Identifiers: ClinVar variation 2428064 (VCV002428064.6), dbSNP rs2470230138, ClinGen allele CA350595006.